The following is an entry in ClinVar:

NC_000014.9:g.105856283G>A

Gene: IGH (immunoglobulin heavy locus; minus strand). Cytogenetic location: 14q32.33.
Variant type: single nucleotide variant.
Genome position: GRCh38 VCF-style: chr14-105856283-G-A. GRCh37 (hg19) VCF-style: chr14-106322388-G-A.
Identifiers: ClinVar variation 2688041 (VCV002688041.2), dbSNP rs2753506, ClinGen allele CA266543436.

ClinVar aggregate classification (germline): Benign (1 of 4 stars; one submission).

Allele frequency attached by ClinVar (database versions not stated): 1000 Genomes Project 30x 0.24157; 1000 Genomes Project 0.25659; TOPMed 0.29535; gnomAD 0.30109; gnomAD exomes 0.34935.

Submission:

Unidad de Genómica Garrahan, Hospital de Pediatría Garrahan
Classification: Benign. Last evaluated: 2024-01-24. Review status: criteria provided, single submitter. Criteria: ACMG Guidelines, 2015. Collection method: clinical testing. Allele origin: germline. Affected: no. Observed: 61 variant alleles.
Comment: This variant is classified as Benign based on local population frequency. This variant was detected in 64% of patients studied by a panel of primary immunodeficiencies. Number of patients: 61. Only high quality variants are reported.